The following is an entry in ClinVar:

ClinVar aggregate classification (germline): Pathogenic/Likely pathogenic. Review status: criteria provided, multiple submitters, no conflicts (2 of 4 stars). 2 submissions from 2 submitters: Pathogenic (1); Likely pathogenic (1). Last evaluated 2022-08-30.

Conditions:
Hereditary breast ovarian cancer syndrome. Also called: Hereditary breast and ovarian cancer; BRCA1- and BRCA2-Associated Hereditary Breast and Ovarian Cancer; Hereditary breast and ovarian cancer syndrome; Hereditary breast and ovarian cancer syndrome (HBOC); Breast and ovarian cancer; Hereditary breast and/or ovarian cancer syndrome. Identifiers: Orphanet 145, MedGen C0677776, MeSH D061325, MONDO:0003582. Disease mechanism: loss of function.
BRCA2-related disorder. Also called: BRCA2-related condition; BRCA2-related disorders. Identifiers: MedGen CN239275.

Submissions (2):

Blueprint Genetics
Classification: Likely pathogenic for BRCA2-related disorders. Last evaluated: 2022-08-30. Review status: criteria provided, single submitter. Criteria: ACMG Guidelines, 2015. Collection method: clinical testing. Allele origin: germline. Affected: yes. Observed: 2 variant alleles.

Labcorp Genetics (formerly Invitae), Labcorp
Classification: Pathogenic for Hereditary breast ovarian cancer syndrome. Last evaluated: 2022-06-09. Review status: criteria provided, single submitter. Criteria: Invitae Variant Classification Sherloc (09022015). Collection method: clinical testing. Allele origin: germline.
Comment: For these reasons, this variant has been classified as Pathogenic. This variant has not been reported in the literature in individuals affected with BRCA2-related conditions. This variant is not present in population databases (gnomAD no frequency). This sequence change creates a premature translational stop signal (p.Gln2384*) in the BRCA2 gene. It is expected to result in an absent or disrupted protein product. Loss-of-function variants in BRCA2 are known to be pathogenic (PMID: 20104584).

Literature cited by the submitters: PubMed 20104584 (cited by Labcorp Genetics (formerly Invitae), Labcorp).

NM_000059.4(BRCA2):c.7150C>T (p.Gln2384Ter)

Gene: BRCA2 (BRCA2 DNA repair associated; plus strand). Cytogenetic location: 13q13.1.
Variant type: single nucleotide variant.
Coding change: c.7150C>T on transcript NM_000059.4 (MANE Select); coding-DNA position 7150, C replaced by T.
Protein change: p.Gln2384Ter; replaces glutamine 2384 with a stop codon.
Molecular consequence: nonsense.
Genome position (GRCh38, 1-based): chr13:32,355,003, C>T. VCF-style: chr13-32355003-C-T. GRCh37 (hg19) VCF-style: chr13-32929140-C-T.
Other names: short protein forms Q2384*.
Identifiers: ClinVar variation 1456724 (VCV001456724.7), dbSNP rs55977008, ClinGen allele CA387739168.